The following is an entry in ClinVar:

NM_000143.4(FH):c.738+3A>G

Gene: FH (fumarate hydratase; minus strand). Cytogenetic location: 1q43.
Variant type: single nucleotide variant.
Coding change: c.738+3A>G on transcript NM_000143.4 (MANE Select); 3 bases into the intron after coding-DNA position 738, A replaced by G.
Molecular consequence: intron variant.
Genome position (GRCh38, 1-based): chr1:241,508,600, T>C on the plus strand (A>G on the coding strand, the complement: FH is on the minus strand). VCF-style: chr1-241508600-T-C. GRCh37 (hg19) VCF-style: chr1-241671900-T-C.
Identifiers: ClinVar variation 937510 (VCV000937510.9), dbSNP rs1659988181, ClinGen allele CA1139656725.

ClinVar aggregate classification (germline): Pathogenic/Likely pathogenic. Review status: criteria provided, multiple submitters, no conflicts (2 of 4 stars). 2 submissions from 2 submitters: Pathogenic (1); Likely pathogenic (1). Last evaluated 2026-01-30.

Conditions:
Hereditary cancer-predisposing syndrome. Also called: Tumor predisposition; Hereditary neoplastic syndrome; Hereditary Cancer Syndrome; Neoplastic Syndromes, Hereditary. Identifiers: Orphanet 140162, MedGen C0027672, MeSH D009386, MONDO:0015356.

Allele frequency attached by ClinVar (database versions not stated): gnomAD exomes below 0.00001.
gnomAD v4.1: 4 of 1,611,380 alleles (0.00025%); highest among the groups gnomAD compares: Non-Finnish European, 0.00025%; no homozygotes.

Submissions (2):

Ambry Genetics
Classification: Likely pathogenic for Hereditary cancer-predisposing syndrome. Last evaluated: 2026-01-30. Review status: criteria provided, single submitter. Criteria: Ambry Variant Classification Scheme 2023. Collection method: clinical testing. Allele origin: germline.
Comment: The c.738+3A>G intronic variant results from an A to G substitution 3 nucleotides after coding exon 5 in the FH gene. This variant was reported in individual(s) with features consistent with FH-related tumor predisposition (external communication). This nucleotide position is highly conserved in available vertebrate species. In silico splice site analysis predicts that this alteration may weaken the native splice donor site and will result in the creation or strengthening of a novel splice donor site. This variant is considered to be rare based on population cohorts in the Genome Aggregation Database (gnomAD). Based on the majority of available evidence to date, this variant is likely to be pathogenic.

Labcorp Genetics (formerly Invitae), Labcorp
Classification: Pathogenic. Last evaluated: 2024-12-30. Review status: criteria provided, single submitter. Criteria: Invitae Variant Classification Sherloc (09022015). Collection method: clinical testing. Allele origin: germline.
Comment: This sequence change falls in intron 5 of the FH gene. It does not directly change the encoded amino acid sequence of the FH protein. RNA analysis indicates that this variant induces altered splicing and likely results in a shortened protein product. This variant is not present in population databases (gnomAD no frequency). This variant has been observed in individual(s) with clinical features of hereditary leiomyomatosis and renal cell cancer (internal data). ClinVar contains an entry for this variant (Variation ID: 937510). Variants that disrupt the consensus splice site are a relatively common cause of aberrant splicing (PMID: 17576681, 9536098). Studies have shown that this variant results in skipping of exon 5, but is expected to preserve the integrity of the reading-frame (internal data). This variant disrupts a region of the FH protein in which other variant(s) (p.Met195Val) have been determined to be pathogenic (PMID: 22473397; internal data). This suggests that this is a clinically significant region of the protein, and that variants that disrupt it are likely to be disease-causing. For these reasons, this variant has been classified as Pathogenic.

Literature cited by the submitters: PubMed 17576681 (cited by Labcorp Genetics (formerly Invitae), Labcorp); PubMed 9536098 (cited by Labcorp Genetics (formerly Invitae), Labcorp); PubMed 22473397 (cited by Labcorp Genetics (formerly Invitae), Labcorp).